The following is an entry in ClinVar:

NM_004260.4(RECQL4):c.2140G>A (p.Glu714Lys)

Gene: RECQL4 (RecQ like helicase 4; minus strand). Cytogenetic location: 8q24.3.
Variant type: single nucleotide variant.
Coding change: c.2140G>A on transcript NM_004260.4 (MANE Select); coding-DNA position 2140, G replaced by A.
Protein change: p.Glu714Lys; replaces glutamic acid 714 with lysine.
Molecular consequence: missense variant.
Genome position (GRCh38, 1-based): chr8:144,513,631, C>T on the plus strand (G>A on the coding strand, the complement: RECQL4 is on the minus strand). VCF-style: chr8-144513631-C-T. GRCh37 (hg19) VCF-style: chr8-145739015-C-T.
Other names: c.2140G>A (NM_004260.3); short protein forms E714K.
Identifiers: ClinVar variation 1401246 (VCV001401246.7), dbSNP rs776931639, ClinGen allele CA4948451.

ClinVar aggregate classification (germline): Uncertain significance. Review status: criteria provided, multiple submitters, no conflicts (2 of 4 stars). 2 submissions from 2 submitters: Uncertain significance (2). Last evaluated 2025-06-06.

Conditions:
Baller-Gerold syndrome (BGS). Also called: CRANIOSYNOSTOSIS WITH RADIAL DEFECTS. Identifiers: Orphanet 1225, MedGen C0265308, MONDO:0009039, OMIM 218600.
Inborn genetic diseases. Identifiers: MedGen C0950123, MeSH D030342.

Allele frequency attached by ClinVar (database versions not stated): gnomAD exomes below 0.00001 and 0.00001; ExAC 0.00002.

Submissions (2):

Ambry Genetics
Classification: Uncertain significance for Inborn genetic diseases. Last evaluated: 2025-06-06. Review status: criteria provided, single submitter. Criteria: Ambry Variant Classification Scheme 2023. Collection method: clinical testing. Allele origin: germline.
Comment: The p.E714K variant (also known as c.2140G>A), located in coding exon 13 of the RECQL4 gene, results from a G to A substitution at nucleotide position 2140. The glutamic acid at codon 714 is replaced by lysine, an amino acid with similar properties. This amino acid position is conserved. In addition, the in silico prediction for this alteration is inconclusive. Based on the available evidence, the clinical significance of this variant remains unclear.

Labcorp Genetics (formerly Invitae), Labcorp
Classification: Uncertain significance for Baller-Gerold syndrome. Last evaluated: 2025-05-12. Review status: criteria provided, single submitter. Criteria: Invitae Variant Classification Sherloc (09022015). Collection method: clinical testing. Allele origin: germline.
Comment: This sequence change replaces glutamic acid, which is acidic and polar, with lysine, which is basic and polar, at codon 714 of the RECQL4 protein (p.Glu714Lys). This variant is present in population databases (rs776931639, gnomAD 0.001%). This variant has not been reported in the literature in individuals affected with RECQL4-related conditions. ClinVar contains an entry for this variant (Variation ID: 1401246). Invitae Evidence Modeling of protein sequence and biophysical properties (such as structural, functional, and spatial information, amino acid conservation, physicochemical variation, residue mobility, and thermodynamic stability) indicates that this missense variant is expected to disrupt RECQL4 protein function with a positive predictive value of 80%. In summary, the available evidence is currently insufficient to determine the role of this variant in disease. Therefore, it has been classified as a Variant of Uncertain Significance.